The following is an entry in ClinVar:

ClinVar aggregate classification (germline): Uncertain significance (1 of 4 stars; one submission).

Conditions:
MHC class I deficiency. Identifiers: Orphanet 34592, MedGen C6024714, MONDO:0011476.

Allele frequency attached by ClinVar (database versions not stated): gnomAD exomes below 0.00001.

Submission:

Labcorp Genetics (formerly Invitae), Labcorp
Classification: Uncertain significance for MHC class I deficiency 1. Last evaluated: 2022-08-19. Review status: criteria provided, single submitter. Criteria: Invitae Variant Classification Sherloc (09022015). Collection method: clinical testing. Allele origin: germline.
Comment: Algorithms developed to predict the effect of missense changes on protein structure and function output the following: SIFT: "Deleterious"; PolyPhen-2: "Possibly Damaging"; Align-GVGD: "Class C0". The arginine amino acid residue is found in multiple mammalian species, which suggests that this missense change does not adversely affect protein function. Algorithms developed to predict the effect of sequence changes on RNA splicing suggest that this variant may create or strengthen a splice site. In summary, the available evidence is currently insufficient to determine the role of this variant in disease. Therefore, it has been classified as a Variant of Uncertain Significance. This variant has not been reported in the literature in individuals affected with TAP1-related conditions. This sequence change replaces glycine, which is neutral and non-polar, with arginine, which is basic and polar, at codon 583 of the TAP1 protein (p.Gly583Arg). This variant is not present in population databases (gnomAD no frequency).

NM_000593.6(TAP1):c.1567G>A (p.Gly523Arg)

Gene: TAP1 (transporter 1, ATP binding cassette subfamily B member; minus strand). Cytogenetic location: 6p21.32.
Variant type: single nucleotide variant.
Coding change: c.1567G>A on transcript NM_000593.6 (MANE Select); coding-DNA position 1567, G replaced by A.
Protein change: p.Gly523Arg; replaces glycine 523 with arginine.
Molecular consequence: missense variant.
Genome position (GRCh38, 1-based): chr6:32,848,092, C>T on the plus strand (G>A on the coding strand, the complement: TAP1 is on the minus strand). VCF-style: chr6-32848092-C-T. GRCh37 (hg19) VCF-style: chr6-32815869-C-T.
Other names: c.964G>A, p.Gly322Arg (NM_001292022.2); short protein forms G523R, G322R.
Identifiers: ClinVar variation 2013518 (VCV002013518.4), dbSNP rs2483144854, ClinGen allele CA363591689.